The following is an entry in ClinVar:

NM_007294.4(BRCA1):c.273T>C (p.Cys91=)

Gene: BRCA1 (BRCA1 DNA repair associated; minus strand). Cytogenetic location: 17q21.31.
Variant type: single nucleotide variant.
Coding change: c.273T>C on transcript NM_007294.4 (MANE Select); coding-DNA position 273, T replaced by C.
Protein change: p.Cys91=; no amino-acid change (cysteine 91 retained).
Molecular consequence: synonymous variant. On other transcripts: 5 prime UTR variant (7), intron variant (2).
Genome position (GRCh38, 1-based): chr17:43,104,896, A>G on the plus strand (T>C on the coding strand, the complement: BRCA1 is on the minus strand). VCF-style: chr17-43104896-A-G. GRCh37 (hg19) VCF-style: chr17-41256913-A-G.
Other names: c.63T>C, p.Cys21= (NM_001407571.1, NM_001407853.1, NM_001407879.1 and 58 more transcripts); c.273T>C, p.Cys91= (NM_001407581.1, NM_001407582.1, NM_001407583.1 and 168 more transcripts); c.195T>C, p.Cys65= (NM_001407653.1, NM_001407654.1, NM_001407655.1 and 21 more transcripts); c.132T>C, p.Cys44= (NM_001407692.1, NM_001407694.1, NM_001407695.1 and 99 more transcripts); c.-109T>C (NM_001407959.1, NM_001407960.1, NM_001407962.1 and 4 more transcripts); c.141T>C, p.Cys47= (NM_001408451.1); c.-218-10036T>C (NM_001407967.1, NM_001407966.1).
Identifiers: ClinVar variation 868340 (VCV000868340.3), dbSNP rs397509006, ClinGen allele CA500127524.
Genomic context (GRCh38, chr17:43,104,896, plus strand): 5'-TGAGTGTCATTCTTGGGATATTCAACACTTACACTCCAAACCTGTGTCAAGCTGAAAAGC[A>G]CAAATGATTTTCAATAGCTCTTCAACAAGTTGACTAAATCTCGTACTTTCTTGTAGGCTC-3'
Protein context (NP_009225.1, residues 81-101): QLVEELLKII[Cys91=]AFQLDTGLEY

Conditions:
Breast-ovarian cancer, familial, susceptibility to, 1 (BROVCA1). Also called: BRCA1 Hereditary Breast and Ovarian Cancer; OVARIAN CANCER, SUSCEPTIBILITY TO. Identifiers: Orphanet 145, MedGen C2676676, MONDO:0011450, OMIM 604370. Disease mechanism: loss of function.

Submission:

Brotman Baty Institute, University of Washington
No classification provided (evidence only). Condition: Breast-ovarian cancer, familial 1. Review status: no classification provided. Collection method: in vitro. Allele origin: not applicable. Functional consequence: functionally_normal.
ClinVar note: "not provided" was previously submitted as the classification for the variant. However, the classification appeared to be based only on an observation of functional data so it was converted to no classification on 2025-07-30.